The following is an entry in ClinVar:

ClinVar aggregate classification (germline): Uncertain significance. Review status: criteria provided, multiple submitters, no conflicts (2 of 4 stars). 3 submissions from 3 submitters: Uncertain significance (3). Last evaluated 2025-12-24.

Conditions:
FAS-related disorder. Also called: FAS-related condition.
Autoimmune lymphoproliferative syndrome type 1. Also called: AUTOIMMUNE LYMPHOPROLIFERATIVE SYNDROME, TYPE I, AUTOSOMAL DOMINANT. Identifiers: Orphanet 3261, MedGen C2717884, MONDO:0011158, OMIM 601859.

Allele frequency attached by ClinVar (database versions not stated): TOPMed 0.00007; 1000 Genomes Project 30x 0.00016; 1000 Genomes Project 0.00020; ExAC 0.00002; gnomAD exomes 0.00003.
gnomAD v4.1: 36 of 1,613,780 alleles (0.0022%); highest among the groups gnomAD compares: Admixed American, 0.042%; 1 homozygote.

Submissions (3):

Labcorp Genetics (formerly Invitae), Labcorp
Classification: Uncertain significance for Autoimmune lymphoproliferative syndrome. Last evaluated: 2025-12-24. Review status: criteria provided, single submitter. Criteria: Invitae Variant Classification Sherloc (09022015). Collection method: clinical testing. Allele origin: germline.
Comment: This sequence change replaces threonine, which is neutral and polar, with isoleucine, which is neutral and non-polar, at codon 163 of the FAS protein (p.Thr163Ile). This variant is present in population databases (rs563551720, gnomAD 0.02%). This variant has not been reported in the literature in individuals affected with FAS-related conditions. ClinVar contains an entry for this variant (Variation ID: 856011). Invitae Evidence Modeling of protein sequence and biophysical properties (such as structural, functional, and spatial information, amino acid conservation, physicochemical variation, residue mobility, and thermodynamic stability) indicates that this missense variant is expected to disrupt FAS protein function with a positive predictive value of 80%. In summary, the available evidence is currently insufficient to determine the role of this variant in disease. Therefore, it has been classified as a Variant of Uncertain Significance.

PreventionGenetics, part of Exact Sciences
Classification: Uncertain significance for FAS-related condition. Last evaluated: 2022-09-06. Review status: criteria provided, single submitter. Criteria: ACMG Guidelines, 2015. Collection method: clinical testing. Allele origin: germline.
Comment: The FAS c.488C>T variant is predicted to result in the amino acid substitution p.Thr163Ile. To our knowledge, this variant has not been reported in the literature. This variant is reported in 0.020% of alleles in individuals of Latino descent in gnomAD. It is interpreted as uncertain in ClinVar. At this time, the clinical significance of this variant is uncertain due to the absence of conclusive functional and genetic evidence.

Illumina Laboratory Services, Illumina
Classification: Uncertain significance for Autoimmune lymphoproliferative syndrome type 1. Last evaluated: 2020-11-17. Review status: criteria provided, single submitter. Criteria: ICSLVariantClassificationCriteria RUGD 01 April 2020. Collection method: clinical testing. Allele origin: unknown.
Comment: The FAS c.488C>T (p.Thr163Ile) variant is a missense variant. A literature search was performed for the gene, cDNA change, and amino acid change. No publications including the variant were found based on this search. The variant is reported at a frequency of 0.000198 in the Latino population of the Genome Aggregation Database. The p.Thr163Ile variant is located in the third extracellular cysteine-rich domain of the Fas cell surface death receptor protein. Of note, disease-causing variants in this region are reported to display reduced clinical penetrance with estimates ranging from less than 30% to 52% and may be associated with a relatively mild phenotype compared to cases of ALPS caused by variants in the transmembrane and intracellular domains (Jackson et al. 1999; Bleesing et al. 2017). Based on the limited evidence, the p.Thr163Ile variant is classified as a variant of uncertain significance for autoimmune lymphoproliferative syndrome.

Literature cited by the submitters: PubMed 10090885 (cited by Illumina Laboratory Services, Illumina); PubMed 20301287 (cited by Illumina Laboratory Services, Illumina).

NM_000043.6(FAS):c.488C>T (p.Thr163Ile)

Gene: FAS (Fas cell surface death receptor; plus strand). Cytogenetic location: 10q23.31.
Variant type: single nucleotide variant.
Coding change: c.488C>T on transcript NM_000043.6 (MANE Select); coding-DNA position 488, C replaced by T.
Protein change: p.Thr163Ile; replaces threonine 163 with isoleucine.
Molecular consequence: missense variant. On other transcripts: non-coding transcript variant (7).
Genome position (GRCh38, 1-based): chr10:89,010,583, C>T. VCF-style: chr10-89010583-C-T. GRCh37 (hg19) VCF-style: chr10-90770340-C-T.
Other names: c.488C>T, p.Thr163Ile (NM_001320619.2, NM_152871.4, NM_152872.4); short protein forms T163I.
Identifiers: ClinVar variation 856011 (VCV000856011.14), dbSNP rs563551720, ClinGen allele CA5593127.